The following is an entry in ClinVar:

ClinVar aggregate classification (germline): Uncertain significance (1 of 4 stars; one submission).

Submission:

Labcorp Genetics (formerly Invitae), Labcorp
Classification: Uncertain significance. Last evaluated: 2022-07-12. Review status: criteria provided, single submitter. Criteria: Invitae Variant Classification Sherloc (09022015). Collection method: clinical testing. Allele origin: germline.
Comment: This variant, c.9183_9185del, results in the deletion of 1 amino acid(s) of the EYS protein (p.Asn3062del), but otherwise preserves the integrity of the reading frame. This variant is not present in population databases (gnomAD no frequency). This variant has not been reported in the literature in individuals affected with EYS-related conditions. ClinVar contains an entry for this variant (Variation ID: 1484686). Experimental studies and prediction algorithms are not available or were not evaluated, and the functional significance of this variant is currently unknown. In summary, the available evidence is currently insufficient to determine the role of this variant in disease. Therefore, it has been classified as a Variant of Uncertain Significance.

NM_001142800.2(EYS):c.9183_9185del (p.Asn3062del)

Genes: EYS (EGF-like photoreceptor maintenance factor; minus strand), PHF3 (PHD finger protein 3; plus strand). Cytogenetic location: 6q12.
Variant type: Deletion.
Coding change: c.9183_9185del on transcript NM_001142800.2 (MANE Select); coding-DNA positions 9183 to 9185, 3 bases deleted (TAA; older notation c.9183_9185delTAA).
Protein change: p.Asn3062del; deletes asparagine 3062.
Molecular consequence: inframe deletion. On other transcripts: 3 prime UTR variant (5).
Genome position (GRCh38, 1-based): chr6:63,720,846-63,720,848, TTA deleted on the plus strand (TAA on the coding strand, the reverse complement: EYS is on the minus strand); deleting any 3 consecutive bases within chr6:63,720,846-63,720,850 gives the same sequence; the c. name uses the placement nearest the transcript's 3' end. VCF-style (leftmost placement, unchanged base first): chr6-63720845-GTTA-G. GRCh37 (hg19) VCF-style: chr6-64430741-GTTA-G.
Other names: c.*7140_*7142del (NM_001290259.2, NM_001370348.2, NM_001370349.2 and 2 more transcripts); c.9246_9248del, p.Asn3083del (NM_001292009.2); short protein forms N3062del, N3083del.
Identifiers: ClinVar variation 1484686 (VCV001484686.6), dbSNP rs2149623867, ClinGen allele CA2573141292.
Genomic context (GRCh38, chr6:63,720,845, plus strand): 5'-ATCATAGTTTAGAGCCACAAAGTTTTTATGTGGATCAATATCCTCGGAAAGAATTAGACT[GTTA>G]TTTATGTAGGCCTTGATAAGAGTCTGATTTTGAATTACAACTACATGGTGCCATTTATTA-3'